The following is an entry in ClinVar:

ClinVar aggregate classification (germline): Uncertain significance. Review status: criteria provided, multiple submitters, no conflicts (2 of 4 stars). 4 submissions from 4 submitters: Uncertain significance (4). Last evaluated 2025-05-13.

Conditions:
Inborn genetic diseases. Identifiers: MedGen C0950123, MeSH D030342.
Hypotonia with lactic acidemia and hyperammonemia. Identifiers: Orphanet 137908, MedGen C2673642, MONDO:0012718, OMIM 611719.

Allele frequency attached by ClinVar (database versions not stated): gnomAD exomes below 0.00001; TOPMed 0.00001; gnomAD 0.00002.
gnomAD v4.1: 4 of 1,612,284 alleles (0.00025%); highest among the groups gnomAD compares: Non-Finnish European, 0.00034%; no homozygotes.

Submissions (4):

Ambry Genetics
Classification: Uncertain significance for Inborn genetic diseases. Last evaluated: 2025-05-13. Review status: criteria provided, single submitter. Criteria: Ambry Variant Classification Scheme 2023. Collection method: clinical testing. Allele origin: germline.

GeneDx
Classification: Uncertain significance. Last evaluated: 2024-08-06. Review status: criteria provided, single submitter. Criteria: GeneDx Variant Classification Process June 2021. Collection method: clinical testing. Allele origin: germline. Affected: yes.
Comment: Not observed at significant frequency in large population cohorts (gnomAD); In silico analysis indicates that this missense variant does not alter protein structure/function; Has not been previously published as pathogenic or benign to our knowledge

Labcorp Genetics (formerly Invitae), Labcorp
Classification: Uncertain significance. Last evaluated: 2024-01-29. Review status: criteria provided, single submitter. Criteria: Invitae Variant Classification Sherloc (09022015). Collection method: clinical testing. Allele origin: germline.
Comment: This sequence change replaces methionine, which is neutral and non-polar, with threonine, which is neutral and polar, at codon 46 of the MRPS22 protein (p.Met46Thr). This variant is present in population databases (no rsID available, gnomAD 0.007%). This variant has not been reported in the literature in individuals affected with MRPS22-related conditions. ClinVar contains an entry for this variant (Variation ID: 1029741). Algorithms developed to predict the effect of missense changes on protein structure and function output the following: SIFT: "Not Available"; PolyPhen-2: "Benign"; Align-GVGD: "Not Available". The threonine amino acid residue is found in multiple mammalian species, which suggests that this missense change does not adversely affect protein function. In summary, the available evidence is currently insufficient to determine the role of this variant in disease. Therefore, it has been classified as a Variant of Uncertain Significance.

Baylor Genetics
Classification: Uncertain significance for Hypotonia with lactic acidemia and hyperammonemia. Last evaluated: 2019-01-16. Review status: criteria provided, single submitter. Criteria: ACMG Guidelines, 2015. Collection method: clinical testing. Allele origin: unknown. Affected: yes.
Comment: This variant was determined to be of uncertain significance according to ACMG Guidelines, 2015 [PMID:25741868].

NM_020191.4(MRPS22):c.137T>C (p.Met46Thr)

Genes: MRPS22 (mitochondrial ribosomal protein S22; plus strand), LOC112903839 (Sharpr-MPRA regulatory region 3993; plus strand). Cytogenetic location: 3q23.
Variant type: single nucleotide variant.
Coding change: c.137T>C on transcript NM_020191.4 (MANE Select); coding-DNA position 137, T replaced by C.
Protein change: p.Met46Thr; replaces methionine 46 with threonine.
Molecular consequence: missense variant.
Genome position (GRCh38, 1-based): chr3:139,344,163, T>C. VCF-style: chr3-139344163-T-C. GRCh37 (hg19) VCF-style: chr3-139063005-T-C.
Other names: c.137T>C, p.Met46Thr (NM_001363893.1); short protein forms M46T.
Identifiers: ClinVar variation 1029741 (VCV001029741.5), dbSNP rs1467055834, ClinGen allele CA354756248.